The following is an entry in ClinVar:

NM_024757.5(EHMT1):c.1607_1631delinsTTGTTGGCCAGTG (p.Ala536_Glu544delinsValValGlyGlnTrp)

Genes: EHMT1 (euchromatic histone lysine methyltransferase 1; plus strand), LOC130003148 (ATAC-STARR-seq lymphoblastoid active region 29369; plus strand). Cytogenetic location: 9q34.3.
Variant type: Indel.
Coding change: c.1607_1631delinsTTGTTGGCCAGTG on transcript NM_024757.5 (MANE Select); coding-DNA positions 1607 to 1631, CCAACAACCAGTGCATGGCTACAGA replaced by TTGTTGGCCAGTG.
Protein change: p.Ala536_Glu544delinsValValGlyGlnTrp.
Molecular consequence: inframe indel.
Genome position (GRCh38, 1-based): chr9:137,762,780-137,762,804, CCAACAACCAGTGCATGGCTACAGA replaced by TTGTTGGCCAGTG. GRCh37 (hg19): chr9:140,657,232-140,657,256.
Other names: c.1607_1631delinsTTGTTGGCCAGTG, p.Ala536_Glu544delinsValValGlyGlnTrp (NM_001145527.2, NM_001354611.2); c.1514_1538delinsTTGTTGGCCAGTG, p.Ala505_Glu513delinsValValGlyGlnTrp (NM_001354259.2, NM_001354612.2); c.1586_1610delinsTTGTTGGCCAGTG, p.Ala529_Glu537delinsValValGlyGlnTrp (NM_001354263.2).
Identifiers: ClinVar variation 2023531 (VCV002023531.4), dbSNP rs2542012690, ClinGen allele CA2580081000.
Genomic context (GRCh38, chr9:137,762,780, plus strand): 5'-AAGTGCCTCTCTGCAGCTGCCGGATGGAAACACCGAAGAGTCGAGAGATCACCACACTGG[CCAACAACCAGTGCATGGCTACAGA>TTGTTGGCCAGTG]GAGCGTGGACCATGAAGTAAGCACGTTTGTTTTCATTTAAAGCAGCCACGAGGAGTGAGT-3'

ClinVar aggregate classification (germline): Uncertain significance (1 of 4 stars; one submission).

Conditions:
Kleefstra syndrome 1 (KLEFS1). Identifiers: Orphanet 261494, MedGen C0795833, MONDO:0027407, OMIM 610253.

Submission:

Labcorp Genetics (formerly Invitae), Labcorp
Classification: Uncertain significance for Kleefstra syndrome 1. Last evaluated: 2023-07-17. Review status: criteria provided, single submitter. Criteria: Invitae Variant Classification Sherloc (09022015). Collection method: clinical testing. Allele origin: germline.
Comment: This variant, c.1607_1631delinsTTGTTGGCCAGTG, is a complex sequence change that results in the deletion of 9 and insertion of 5 amino acid(s) in the EHMT1 protein (p.Ala536_Glu544delinsValValGlyGlnTrp). In summary, the available evidence is currently insufficient to determine the role of this variant in disease. Therefore, it has been classified as a Variant of Uncertain Significance. Experimental studies and prediction algorithms are not available or were not evaluated, and the functional significance of this variant is currently unknown. ClinVar contains an entry for this variant (Variation ID: 2023531). This variant has not been reported in the literature in individuals affected with EHMT1-related conditions. This variant is not present in population databases (gnomAD no frequency).